The following is an entry in ClinVar:

NM_001287.6(CLCN7):c.1225C>T (p.Arg409Trp)

Gene: CLCN7 (chloride voltage-gated channel 7; minus strand). Cytogenetic location: 16p13.3.
Variant type: single nucleotide variant.
Coding change: c.1225C>T on transcript NM_001287.6 (MANE Select); coding-DNA position 1225, C replaced by T.
Protein change: p.Arg409Trp; replaces arginine 409 with tryptophan.
Molecular consequence: missense variant.
Genome position (GRCh38, 1-based): chr16:1,452,883, G>A on the plus strand (C>T on the coding strand, the complement: CLCN7 is on the minus strand). VCF-style: chr16-1452883-G-A. GRCh37 (hg19) VCF-style: chr16-1502884-G-A.
Other names: c.1153C>T, p.Arg385Trp (NM_001114331.3); short protein forms R385W, R409W.
Identifiers: ClinVar variation 1408182 (VCV001408182.8), dbSNP rs1253129482, ClinGen allele CA394189289.
Genomic context (GRCh38, chr16:1,452,883, plus strand): 5'-AGGCAACTGTGGCCGTGACGGCGGCCACCAGCACGGCCTCAATCACCTGCAGGCAGGGCC[G>A]GTGGATGTACCTGGAACCAAGAATCAGGCTGCATGGCAGGCAGGACGGCAGCGCGGCCCC-3'
Protein context (NP_001278.1, residues 399-419): LTMFRIRYIH[Arg409Trp]PCLQVIEAVL

ClinVar aggregate classification (germline): Uncertain significance (1 of 4 stars; one submission).

Allele frequency attached by ClinVar (database versions not stated): TOPMed below 0.00001; gnomAD exomes 0.00001.
gnomAD v4.1: 13 of 1,569,082 alleles (0.00083%); highest among the groups gnomAD compares: South Asian, 0.0047%; no homozygotes.

Submission:

Labcorp Genetics (formerly Invitae), Labcorp
Classification: Uncertain significance. Last evaluated: 2022-06-13. Review status: criteria provided, single submitter. Criteria: Invitae Variant Classification Sherloc (09022015). Collection method: clinical testing. Allele origin: germline.
Comment: In summary, the available evidence is currently insufficient to determine the role of this variant in disease. Therefore, it has been classified as a Variant of Uncertain Significance. This sequence change replaces arginine, which is basic and polar, with tryptophan, which is neutral and slightly polar, at codon 409 of the CLCN7 protein (p.Arg409Trp). This variant is not present in population databases (gnomAD no frequency). This missense change has been observed in individual(s) with autosomal dominant childhood onset osteopetrosis (PMID: 23302420). Advanced modeling of protein sequence and biophysical properties (such as structural, functional, and spatial information, amino acid conservation, physicochemical variation, residue mobility, and thermodynamic stability) performed at Invitae indicates that this missense variant is not expected to disrupt CLCN7 protein function.

Literature cited by the submitters: PubMed 23302420.